The following is an entry in ClinVar:

ClinVar aggregate classification (germline): Benign/Likely benign. Review status: criteria provided, multiple submitters, no conflicts (2 of 4 stars). 6 submissions from 6 submitters: Benign (2); Likely benign (4). Last evaluated 2025-11-17.

Conditions:
GSN-related disorder. Also called: GSN-related condition.
Inborn genetic diseases. Identifiers: MedGen C0950123, MeSH D030342.
Finnish type amyloidosis. Also called: AMYLOID CRANIAL NEUROPATHY WITH LATTICE CORNEAL DYSTROPHY; AMYLOIDOSIS DUE TO MUTANT GELSOLIN; AMYLOIDOSIS, HEREDITARY SYSTEMIC 4, FINNISH TYPE; Amyloidosis, familial, Finnish type; Meretoja type amyloidosis; Amyloidosis 5. Identifiers: Orphanet 85448, MedGen C1622345, MONDO:0007097, OMIM 105120.

Allele frequency attached by ClinVar (database versions not stated): gnomAD 0.00012 and 0.00020; gnomAD exomes 0.00014 and 0.00041; TOPMed 0.00020; ExAC 0.00042; 1000 Genomes Project 30x 0.00094; 1000 Genomes Project 0.00120.

Submissions (6):

Labcorp Genetics (formerly Invitae), Labcorp
Classification: Benign. Last evaluated: 2025-11-17. Review status: criteria provided, single submitter. Criteria: Invitae Variant Classification Sherloc (09022015). Collection method: clinical testing. Allele origin: germline.

PreventionGenetics, part of Exact Sciences
Classification: Likely benign for GSN-related condition. Last evaluated: 2025-09-16. Review status: criteria provided, single submitter. Criteria: ACMG Guidelines, 2015. Collection method: clinical testing. Allele origin: germline.
Comment: This variant is classified as likely benign based on ACMG/AMP sequence variant interpretation guidelines (Richards et al. 2015 PMID: 25741868, with internal and published modifications).

Genetic Services Laboratory, University of Chicago
Classification: Likely benign. Last evaluated: 2021-11-21. Review status: criteria provided, single submitter. Criteria: ACMG Guidelines, 2015. Collection method: clinical testing. Allele origin: germline. Affected: no.

Fulgent Genetics
Classification: Likely benign for Finnish type amyloidosis. Last evaluated: 2021-11-11. Review status: criteria provided, single submitter. Criteria: ACMG Guidelines, 2015. Collection method: clinical testing. Allele origin: unknown.

Ambry Genetics
Classification: Likely benign for Inborn genetic diseases. Last evaluated: 2019-07-11. Review status: criteria provided, single submitter. Criteria: Ambry Variant Classification Scheme 2023. Collection method: clinical testing. Allele origin: germline.

Illumina Laboratory Services, Illumina
Classification: Benign for Finnish type amyloidosis. Last evaluated: 2018-01-13. Review status: criteria provided, single submitter. Criteria: ICSL Variant Classification Criteria 13 December 2019. Collection method: clinical testing. Allele origin: germline.
Comment: This variant was observed in the ICSL laboratory as part of a predisposition screen in an ostensibly healthy population. It had not been previously curated by ICSL or reported in the Human Gene Mutation Database (HGMD: prior to June 1st, 2018), and was therefore a candidate for classification through an automated scoring system. Utilizing variant allele frequency, disease prevalence and penetrance estimates, and inheritance mode, an automated score was calculated to assess if this variant is too frequent to cause the disease. Based on the score and internal cut-off values, a variant classified as benign is not then subjected to further curation. The score for this variant resulted in a classification of benign for this disease.

NM_198252.3(GSN):c.1782G>A (p.Leu594=)

Gene: GSN (gelsolin; plus strand). Cytogenetic location: 9q33.2.
Variant type: single nucleotide variant.
Coding change: c.1782G>A on transcript NM_198252.3 (MANE Select); coding-DNA position 1782, G replaced by A.
Protein change: p.Leu594=; no amino-acid change (leucine 594 retained).
Molecular consequence: synonymous variant.
Genome position (GRCh38, 1-based): chr9:121,328,910, G>A. VCF-style: chr9-121328910-G-A. GRCh37 (hg19) VCF-style: chr9-124091188-G-A.
Other names: c.1935G>A, p.Leu645= (NM_000177.5); c.1782G>A, p.Leu594= (NM_001127662.2, NM_001127664.2, NM_001127665.2 and 10 more transcripts); c.1890G>A, p.Leu630= (NM_001127663.2); c.1815G>A, p.Leu605= (NM_001127666.2, NM_001127667.2, NM_001353063.2 and 13 more transcripts); c.1833G>A, p.Leu611= (NM_001258029.2); c.1806G>A, p.Leu602= (NM_001258030.2); c.1854G>A, p.Leu618= (NM_001353076.2); c.1128G>A, p.Leu376= (NM_001353078.2).
Identifiers: ClinVar variation 364825 (VCV000364825.20), dbSNP rs139239940, ClinGen allele CA5221419.